The following is an entry in ClinVar:

ClinVar aggregate classification (germline): Uncertain significance (1 of 4 stars; one submission).

Conditions:
Kleefstra syndrome 1 (KLEFS1). Identifiers: Orphanet 261494, MedGen C0795833, MONDO:0027407, OMIM 610253.

Allele frequency attached by ClinVar (database versions not stated): gnomAD exomes below 0.00001; TOPMed below 0.00001.
gnomAD v4.1: 6 of 1,613,232 alleles (0.00037%); highest among the groups gnomAD compares: Non-Finnish European, 0.00051%; no homozygotes.

Submission:

Labcorp Genetics (formerly Invitae), Labcorp
Classification: Uncertain significance for Kleefstra syndrome 1. Last evaluated: 2020-04-28. Review status: criteria provided, single submitter. Criteria: Invitae Variant Classification Sherloc (09022015). Collection method: clinical testing. Allele origin: germline.
Comment: This sequence change replaces aspartic acid with glutamic acid at codon 83 of the EHMT1 protein (p.Asp83Glu). The aspartic acid residue is weakly conserved and there is a small physicochemical difference between aspartic acid and glutamic acid. This variant is not present in population databases (ExAC no frequency). This variant has not been reported in the literature in individuals with EHMT1-related conditions. Algorithms developed to predict the effect of missense changes on protein structure and function output the following: SIFT: "Tolerated"; PolyPhen-2: "Benign"; Align-GVGD: "Class C0". The glutamic acid amino acid residue is found in multiple mammalian species, suggesting that this missense change does not adversely affect protein function. These predictions have not been confirmed by published functional studies and their clinical significance is uncertain. In summary, the available evidence is currently insufficient to determine the role of this variant in disease. Therefore, it has been classified as a Variant of Uncertain Significance.

NM_024757.5(EHMT1):c.249T>A (p.Asp83Glu)

Gene: EHMT1 (euchromatic histone lysine methyltransferase 1; plus strand). Cytogenetic location: 9q34.3.
Variant type: single nucleotide variant.
Coding change: c.249T>A on transcript NM_024757.5 (MANE Select); coding-DNA position 249, T replaced by A.
Protein change: p.Asp83Glu; replaces aspartic acid 83 with glutamic acid.
Molecular consequence: missense variant.
Genome position (GRCh38, 1-based): chr9:137,716,789, T>A. VCF-style: chr9-137716789-T-A. GRCh37 (hg19) VCF-style: chr9-140611241-T-A.
Other names: c.249T>A, p.Asp83Glu (NM_001145527.2, NM_001354263.2, NM_001354611.2); c.156T>A, p.Asp52Glu (NM_001354259.2, NM_001354612.2); short protein forms D52E, D83E.
Identifiers: ClinVar variation 1000756 (VCV001000756.9), dbSNP rs1292672367, ClinGen allele CA375763658.
Genomic context (GRCh38, chr9:137,716,789, plus strand): 5'-CAGCAGTCATGCAAATGCTGCAAAGCACACTCAGGACAGCGCAAGGGTCAACCCCCAGGA[T>A]GGCACCAACACACTAACTCGGATAGCGGAAAATGGGGTTTCAGAAAGAGACTCAGAAGCG-3'
Protein context (NP_079033.4, residues 73-93): TQDSARVNPQ[Asp83Glu]GTNTLTRIAE